The following is an entry in ClinVar:

NM_000322.5(PRPH2):c.163del (p.Ser55fs)

Gene: PRPH2 (peripherin 2; minus strand). Cytogenetic location: 6p21.1.
Variant type: Deletion.
Coding change: c.163del on transcript NM_000322.5 (MANE Select); coding-DNA position 163, one base deleted (T; older notation c.163delT).
Protein change: p.Ser55fs; shifts the reading frame from serine 55.
Molecular consequence: frameshift variant.
Genome position (GRCh38, 1-based): chr6:42,722,172, A deleted on the plus strand (T on the coding strand, the reverse complement: PRPH2 is on the minus strand); the first of 2 consecutive A bases (chr6:42,722,172-42,722,173); deleting either gives the same sequence. VCF-style (leftmost placement, unchanged base first): chr6-42722171-GA-G. GRCh37 (hg19) VCF-style: chr6-42689909-GA-G.
Other names: c.163del (NM_000322.4); short protein forms S55fs.
Identifiers: ClinVar variation 973711 (VCV000973711.11), dbSNP rs1761917286, ClinGen allele CA1139659530.

ClinVar aggregate classification (germline): Pathogenic. Review status: criteria provided, multiple submitters, no conflicts (2 of 4 stars). 3 submissions from 3 submitters: Pathogenic (2). 1 of the submissions does not count toward it. Last evaluated 2026-01-27.

Conditions:
Stargardt disease (FFM). Also called: Stargardt's disease; Fundus flavimaculatus. Identifiers: Orphanet 827, MedGen C0271093, MONDO:0019353.
PRPH2-related disorder. Also called: PRPH2-related condition; PRPH2-related disorders. Identifiers: MedGen CN239395.

Submissions (3):

Labcorp Genetics (formerly Invitae), Labcorp
Classification: Pathogenic for PRPH2-related disorder. Last evaluated: 2026-01-27. Review status: criteria provided, single submitter. Criteria: Invitae Variant Classification Sherloc (09022015). Collection method: clinical testing. Allele origin: germline.
Comment: This sequence change creates a premature translational stop signal (p.Ser55Leufs*10) in the PRPH2 gene. It is expected to result in an absent or disrupted protein product. Loss-of-function variants in PRPH2 are known to be pathogenic (PMID: 8111389, 8485575, 8485576, 8675410, 16916875, 17504850, 22863181, 25675413, 26061163, 27365499, 29555955, 33546218). This variant is not present in population databases (gnomAD no frequency). This premature translational stop signal has been observed in individual(s) with multifocal pattern dystrophy (PMID: 17504850). This variant is also known as p.Asn54fs*4. ClinVar contains an entry for this variant (Variation ID: 973711). For these reasons, this variant has been classified as Pathogenic.

NEI Ophthalmic Genomics Laboratory, National Institutes of Health
Classification: Pathogenic for Stargardt disease. Last evaluated: 2020-01-07. Review status: criteria provided, single submitter. Criteria: ACMG Guidelines, 2015. Collection method: clinical testing. Allele origin: germline. Affected: yes.
Comment: The variant NM_000322.4:c.163delT in the PRPH2 gene has been previously studied (PMID 17504850). We found this variant in 2 patient(s) in a PRPH2 cohort study (Reeves et al. 2020). This variant is listed in dbSNP and/or HGMD (CD075522). It is absent in gnomAD browser. It is enriched in the PRPH2 disease cohort. We invoked ACMG criteria [PVS1, PS4, PM2, PP1-M] and classified NM_000322.4:c.163delT in the PRPH2 gene as a Pathogenic mutation.

Leiden Open Variation Database
Classification: Pathogenic. Last evaluated: 2021-04-06. Review status: no assertion criteria provided. Collection method: curation. Allele origin: germline. Affected: yes. Not counted in ClinVar's aggregate classification.
Comment: Curator: Global Variome, with Curator vacancy. Submitter to LOVD: Manon Peeters.

Literature cited by the submitters: PubMed 8111389 (cited by Labcorp Genetics (formerly Invitae), Labcorp); PubMed 8485575 (cited by Labcorp Genetics (formerly Invitae), Labcorp); PubMed 8485576 (cited by Labcorp Genetics (formerly Invitae), Labcorp); PubMed 8675410 (cited by Labcorp Genetics (formerly Invitae), Labcorp); PubMed 16916875 (cited by Labcorp Genetics (formerly Invitae), Labcorp); PubMed 17504850 (cited by Labcorp Genetics (formerly Invitae), Labcorp and Leiden Open Variation Database); PubMed 22863181 (cited by Labcorp Genetics (formerly Invitae), Labcorp); PubMed 25675413 (cited by Labcorp Genetics (formerly Invitae), Labcorp); PubMed 26061163 (cited by Labcorp Genetics (formerly Invitae), Labcorp); PubMed 27365499 (cited by Labcorp Genetics (formerly Invitae), Labcorp); PubMed 29555955 (cited by Labcorp Genetics (formerly Invitae), Labcorp); PubMed 33546218 (cited by Labcorp Genetics (formerly Invitae), Labcorp); PubMed 26024099 (cited by Leiden Open Variation Database); PubMed 32531846 (cited by Leiden Open Variation Database).